The following is an entry in ClinVar:

ClinVar aggregate classification (germline): Uncertain significance. Review status: criteria provided, multiple submitters, no conflicts (2 of 4 stars). 2 submissions from 2 submitters: Uncertain significance (2). Last evaluated 2025-04-09.

Conditions:
Congenital microcephaly - severe encephalopathy - progressive cerebral atrophy syndrome. Also called: Asparagine synthetase deficiency; ASNS DEFICIENCY. Identifiers: Orphanet 391376, MedGen C3809971, MONDO:0014258, OMIM 615574.

Submissions (2):

Institute of Human Genetics, University of Leipzig Medical Center
Classification: Uncertain significance for Congenital microcephaly - severe encephalopathy - progressive cerebral atrophy syndrome. Last evaluated: 2025-04-09. Review status: criteria provided, single submitter. Criteria: ACMG Guidelines, 2015. Collection method: clinical testing. Allele origin: de novo. Inheritance: Autosomal recessive inheritance. Affected: yes.
Comment: Criteria applied: PM2,PP3,PS2

CeGaT Center for Human Genetics Tuebingen
Classification: Uncertain significance. Last evaluated: 2022-02-01. Review status: criteria provided, single submitter. Criteria: CeGaT Center For Human Genetics Tuebingen Variant Classification Criteria Version 2. Collection method: clinical testing. Allele origin: germline. Affected: yes. Observed: 1 variant allele.

NM_001673.5(ASNS):c.80G>C (p.Arg27Thr)

Genes: ASNS (asparagine synthetase (glutamine-hydrolyzing); minus strand), CZ1P-ASNS (CZ1P-ASNS readthrough; minus strand). Cytogenetic location: 7q21.3.
Variant type: single nucleotide variant.
Coding change: c.80G>C on transcript NM_001673.5 (MANE Select); coding-DNA position 80, G replaced by C.
Protein change: p.Arg27Thr; replaces arginine 27 with threonine.
Molecular consequence: missense variant. On other transcripts: non-coding transcript variant (1), intron variant (2).
Genome position (GRCh38, 1-based): chr7:97,869,077, C>G on the plus strand (G>C on the coding strand, the complement: ASNS is on the minus strand). VCF-style: chr7-97869077-C-G. GRCh37 (hg19) VCF-style: chr7-97498389-C-G.
Other names: c.17G>C, p.Arg6Thr (NM_001178075.2); c.80G>C, p.Arg27Thr (NM_001352496.2, NM_133436.3, NM_183356.4); c.-1+3274G>C (NM_001178076.2); c.-1+2964G>C (NM_001178077.1); short protein forms R27T, R6T.
Identifiers: ClinVar variation 1676072 (VCV001676072.34), dbSNP rs2115754756, ClinGen allele CA368274173.